The following is an entry in ClinVar:

NM_000540.3(RYR1):c.11132C>A (p.Thr3711Lys)

Gene: RYR1 (ryanodine receptor 1; plus strand). Cytogenetic location: 19q13.2.
Variant type: single nucleotide variant.
Coding change: c.11132C>A on transcript NM_000540.3 (MANE Select); coding-DNA position 11132, C replaced by A.
Protein change: p.Thr3711Lys; replaces threonine 3711 with lysine.
Molecular consequence: missense variant.
Genome position (GRCh38, 1-based): chr19:38,529,048, C>A. VCF-style: chr19-38529048-C-A. GRCh37 (hg19) VCF-style: chr19-39019688-C-A.
Other names: c.11117C>A, p.Thr3706Lys (NM_001042723.2); short protein forms T3711K, T3706K.
Identifiers: ClinVar variation 3636243 (VCV003636243.2).

ClinVar aggregate classification (germline): Likely pathogenic (1 of 4 stars; one submission).

Conditions:
RYR1-related disorder. Also called: RYR1-related condition; RYR1-related disorders. Identifiers: MedGen CN239331.

Submission:

Labcorp Genetics (formerly Invitae), Labcorp
Classification: Likely pathogenic for RYR1-related disorder. Last evaluated: 2024-08-07. Review status: criteria provided, single submitter. Criteria: Invitae Variant Classification Sherloc (09022015). Collection method: clinical testing. Allele origin: germline.
Comment: This sequence change replaces threonine, which is neutral and polar, with lysine, which is basic and polar, at codon 3711 of the RYR1 protein (p.Thr3711Lys). This variant is not present in population databases (gnomAD no frequency). This variant has not been reported in the literature in individuals affected with RYR1-related conditions. Advanced modeling of protein sequence and biophysical properties (such as structural, functional, and spatial information, amino acid conservation, physicochemical variation, residue mobility, and thermodynamic stability) performed at Invitae indicates that this missense variant is expected to disrupt RYR1 protein function with a positive predictive value of 95%. This variant disrupts the p.Thr3711 amino acid residue in RYR1. Other variant(s) that disrupt this residue have been determined to be pathogenic (PMID: 30236257). This suggests that this residue is clinically significant, and that variants that disrupt this residue are likely to be disease-causing. In summary, the currently available evidence indicates that the variant is pathogenic, but additional data are needed to prove that conclusively. Therefore, this variant has been classified as Likely Pathogenic.

Literature cited by the submitters: PubMed 30236257.